The following is an entry in ClinVar:

NM_019108.4(SMG9):c.706dup (p.Tyr236fs)

Gene: SMG9 (SMG9 nonsense mediated mRNA decay factor; minus strand). Cytogenetic location: 19q13.31.
Variant type: Duplication.
Coding change: c.706dup on transcript NM_019108.4 (MANE Select); coding-DNA position 706, one base duplicated (T; older notation c.706dupT).
Protein change: p.Tyr236fs; shifts the reading frame from tyrosine 236.
Molecular consequence: frameshift variant.
Genome position (GRCh38, 1-based): chr19:43,740,214, A duplicated on the plus strand (T on the coding strand, the reverse complement: SMG9 is on the minus strand); the first of 2 consecutive A bases (chr19:43,740,214-43,740,215); duplicating either gives the same sequence. VCF-style (leftmost placement, unchanged base first): chr19-43740213-T-TA. GRCh37 (hg19) VCF-style: chr19-44244365-T-TA.
Other names: short protein forms Y236fs.
Identifiers: ClinVar variation 4850406 (VCV004850406.1).

ClinVar aggregate classification (germline): Likely pathogenic (1 of 4 stars; one submission).

Conditions:
Neurodevelopmental disorder with intention tremor, pyramidal signs, dyspraxia, and ocular anomalies (NEDITPO). Identifiers: MedGen C5774196, MONDO:0859274, OMIM 619995.
Heart and brain malformation syndrome (HBMS). Identifiers: MedGen C4310793, MONDO:0014833, OMIM 616920.

Submission:

First Genomix Gene Laboratory, Genetic Diagnostics Department
Classification: Likely pathogenic for Heart and brain malformation syndrome; Neurodevelopmental disorder with intention tremor, pyramidal signs, dyspraxia, and ocular anomalies. Last evaluated: 2025-09-24. Review status: criteria provided, single submitter. Criteria: ACMG Guidelines, 2015. Collection method: clinical testing. Allele origin: germline. Inheritance: Autosomal recessive inheritance. Affected: no. Observed: 1 variant allele.